The following is an entry in ClinVar:

ClinVar aggregate classification (germline): Uncertain significance. Review status: criteria provided, multiple submitters, no conflicts (2 of 4 stars). 2 submissions from 2 submitters: Uncertain significance (2). Last evaluated 2025-05-01.

Conditions:
FOXH1-related disorder. Also called: FOXH1-related condition.

gnomAD v4.1: 2 of 1,424,088 alleles (0.00014%); highest among the groups gnomAD compares: Admixed American, 0.0068%; no homozygotes.

Submissions (2):

CeGaT Center for Human Genetics Tuebingen
Classification: Uncertain significance. Last evaluated: 2025-05-01. Review status: criteria provided, single submitter. Criteria: CeGaT Center For Human Genetics Tuebingen Variant Classification Criteria Version 2. Collection method: clinical testing. Allele origin: germline. Affected: yes. Observed: 1 variant allele.
Comment: FOXH1: PM2

PreventionGenetics, part of Exact Sciences
Classification: Uncertain significance for FOXH1-related condition. Last evaluated: 2025-05-01. Review status: criteria provided, single submitter. Criteria: ACMG Guidelines, 2015. Collection method: clinical testing. Allele origin: germline.
Comment: The FOXH1 c.58C>A variant is predicted to result in the amino acid substitution p.Pro20Thr. To our knowledge, this variant has not been reported in the literature. This variant is reported in 0.018% of alleles in individuals of Latino descent in gnomAD. At this time, the clinical significance of this variant is uncertain due to the absence of conclusive functional and genetic evidence.

NM_003923.3(FOXH1):c.58C>A (p.Pro20Thr)

Gene: FOXH1 (forkhead box H1; minus strand). Cytogenetic location: 8q24.3.
Variant type: single nucleotide variant.
Coding change: c.58C>A on transcript NM_003923.3 (MANE Select); coding-DNA position 58, C replaced by A.
Protein change: p.Pro20Thr; replaces proline 20 with threonine.
Molecular consequence: missense variant.
Genome position (GRCh38, 1-based): chr8:144,475,699, G>T on the plus strand (C>A on the coding strand, the complement: FOXH1 is on the minus strand). VCF-style: chr8-144475699-G-T. GRCh37 (hg19) VCF-style: chr8-145701082-G-T.
Other names: c.58C>A (NM_003923.2); short protein forms P20T.
Identifiers: ClinVar variation 4534776 (VCV004534776.7).
Genomic context (GRCh38, chr8:144,475,699, plus strand): 5'-CCAAGTAGGTGTAGGGGGGCTTGTCATGTCGCAGGTACCTCTTCTTCCTCCTCTTAGGGG[G>T]CTGGGAGGGCGACTCTGCCTCTGGGGGCCCCAGGCGGGAGCCGCTGCAGGGCCCCATGCG-3'
Protein context (NP_003914.1, residues 10-30): GPPEAESPSQ[Pro20Thr]PKRRKKRYLR